The following is an entry in ClinVar:

ClinVar aggregate classification (germline): Conflicting classifications of pathogenicity. Review status: criteria provided, conflicting classifications (1 of 4 stars). 15 submissions from 15 submitters: Pathogenic (4); Likely pathogenic (5); Uncertain significance (5). 1 of the submissions does not count toward it. Last evaluated 2026-09-14.

Conditions:
ELAC2-related disorder. Also called: ELAC2-related condition.
ELAC2-related disorders.
Inborn genetic diseases. Identifiers: MedGen C0950123, MeSH D030342.
Combined oxidative phosphorylation defect type 17. Also called: Combined oxidative phosphorylation deficiency 17. Identifiers: Orphanet 369913, MedGen C3809526, MONDO:0014190, OMIM 615440.
Prostate cancer, hereditary, 2 (HPC2). Identifiers: Orphanet 1331, MedGen C3539120, MONDO:0013872, OMIM 614731.

Allele frequency attached by ClinVar (database versions not stated): 1000 Genomes Project 30x 0.00031; TOPMed 0.00047; ExAC 0.00051; gnomAD 0.00064.
gnomAD v4.1: 1,450 of 1,611,198 alleles (0.09%); highest among the groups gnomAD compares: Non-Finnish European, 0.12%; 1 homozygote.

Submissions (15):

PreventionGenetics, part of Exact Sciences
Classification: Uncertain significance for ELAC2-related condition. Last evaluated: 2026-09-14. Review status: criteria provided, single submitter. Criteria: ACMG Guidelines, 2015. Collection method: clinical testing. Allele origin: germline.
Comment: The ELAC2 c.2342G>A variant is predicted to result in the amino acid substitution p.Arg781His. This variant has been reported in the compound heterozygous state in one individual, and in combination with a second ELAC2 variant of unconfirmed phase in two additional individuals, with hypertrophic cardiomyopathy (Saoura et al. 2019. PubMed ID: 31045291). This variant has also been reported in the heterozygous state in multiple related individuals with prostate cancer or ovarian cancer; however, several affected family members did not carry the variant (Tavtigian et al. 2001. PubMed ID: 11175785). In vitro experimental studies of this variant are conflicting with some suggesting this variant does not alter enzyme activity (Minagawa et al. 2005. PubMed ID: 15863270; Takaku et al. 2003. PubMed ID: 12711671; Elbarbary et al. 2008. PubMed ID: 18809514) while others suggest this variant decreases enzyme activity (Saoura et al. 2019. PubMed ID: 31045291). This variant is reported in 0.097% of alleles in individuals of European (Non-Finnish) descent in gnomAD. Although we suspect that this variant may be pathogenic, at this time, the clinical significance of this variant is uncertain due to the absence of conclusive functional and genetic evidence.

GeneDx
Classification: Pathogenic. Last evaluated: 2026-09-02. Review status: criteria provided, single submitter. Criteria: GeneDx Variant Classification Process June 2021. Collection method: clinical testing. Allele origin: germline.
Comment: Observed as heterozygous and segregating with disease in a single family with prostate cancer (PMID: 11175785); Published functional studies are contradictory: some suggesting impaired mitochondrial enzymatic activity of ELAC2, and others suggesting mitochondrial enzymatic activity similar to wildtype (PMID: 31045291, 15863270, 16636667); In silico analysis supports that this missense variant has a deleterious effect on protein structure/function; This variant is associated with the following publications: (PMID: 15892892, 18809514, 24082139, 12515253, 15317868, 12021166, 12569551, 19555350, 15593091, 11507049, 12522685, 12790786, 15863270, 12711671, 16636667, 16287462, 25326635, 31045291, 33314036, 34539450, 28569218, 34964002, 11175785)

Labcorp Genetics (formerly Invitae), Labcorp
Classification: Pathogenic for Combined oxidative phosphorylation defect type 17. Last evaluated: 2026-01-12. Review status: criteria provided, single submitter. Criteria: Invitae Variant Classification Sherloc (09022015). Collection method: clinical testing. Allele origin: germline.
Comment: This sequence change replaces arginine, which is basic and polar, with histidine, which is basic and polar, at codon 781 of the ELAC2 protein (p.Arg781His). This variant is present in population databases (rs119484086, gnomAD 0.09%), and has an allele count higher than expected for a pathogenic variant. This missense change has been observed in individual(s) with clinical features of ELAC2-related conditions (PMID: 31045291; external communication, internal data). In at least one individual the data is consistent with being in trans (on the opposite chromosome) from a pathogenic variant. ClinVar contains an entry for this variant (Variation ID: 5058). Invitae Evidence Modeling of protein sequence and biophysical properties (such as structural, functional, and spatial information, amino acid conservation, physicochemical variation, residue mobility, and thermodynamic stability) indicates that this missense variant is expected to disrupt ELAC2 protein function with a positive predictive value of 80%. For these reasons, this variant has been classified as Pathogenic.

Mayo Clinic Laboratories, Mayo Clinic
Classification: Uncertain significance. Last evaluated: 2025-07-24. Review status: criteria provided, single submitter. Criteria: ACMG Guidelines, 2015. Collection method: clinical testing. Allele origin: germline. Observed: 3 variant alleles.
Comment: PM3

Dasa
Classification: Pathogenic. Last evaluated: 2025-04-22. Review status: criteria provided, single submitter. Criteria: DASA Assertion Criteria. Collection method: clinical testing. Allele origin: germline.
Comment: NM_018127.7(ELAC2):c.2342G>A (p.Arg781His) is a missense variant that results in the substitution of arginine with histidine. Segregation evidence has been reported in affected families. This variant has been observed in affected individuals with related phenotype in a genotype context consistent with recessive disease (PMID: 31045291; PMID: 11175785; PMID: 12515253). This variant has been recurrently observed in individuals with related phenotype (PMID: 31045291; PMID: 11175785; PMID: 12515253). The variant is present at low frequency in population datasets. Based on the available data, this variant is classified as pathogenic.

First Genomix Gene Laboratory, Genetic Diagnostics Department
Classification: Likely pathogenic for Combined oxidative phosphorylation defect type 17. Last evaluated: 2025-03-18. Review status: criteria provided, single submitter. Criteria: ACMG Guidelines, 2015. Collection method: clinical testing. Allele origin: germline. Inheritance: Autosomal recessive inheritance. Affected: no. Observed: 1 variant allele.

Laboratory of Genetics, Children's Clinical University Hospital Latvia
Classification: Likely pathogenic. Last evaluated: 2025-02-16. Review status: criteria provided, single submitter. Criteria: ACMG Guidelines, 2015. Collection method: clinical testing. Allele origin: germline. Affected: yes.

Blueprint Genetics
Classification: Likely pathogenic for ELAC2-related disorders. Last evaluated: 2024-11-19. Review status: criteria provided, single submitter. Criteria: ACMG Guidelines, 2015. Collection method: clinical testing. Allele origin: de novo. Affected: yes. Observed: 5 variant alleles.

CeGaT Center for Human Genetics Tuebingen
Classification: Likely pathogenic. Last evaluated: 2024-03-01. Review status: criteria provided, single submitter. Criteria: CeGaT Center For Human Genetics Tuebingen Variant Classification Criteria Version 2. Collection method: clinical testing. Allele origin: germline. Affected: yes. Observed: 3 variant alleles.
Comment: ELAC2: PM3:Strong, PM2

Department of Pathology and Laboratory Medicine, Sinai Health System
Classification: Likely pathogenic for Combined oxidative phosphorylation defect type 17. Last evaluated: 2022-11-08. Review status: criteria provided, single submitter. Criteria: ACMG Guidelines, 2015. Collection method: research. Allele origin: germline.

Ambry Genetics
Classification: Uncertain significance for Inborn genetic diseases. Last evaluated: 2021-07-30. Review status: criteria provided, single submitter. Criteria: Ambry Variant Classification Scheme 2023. Collection method: clinical testing. Allele origin: germline.
Comment: (Saoura, 2019) Based on insufficient or conflicting evidence, the clinical significance of this alteration remains unclear.

Revvity Omics, Revvity
Classification: Uncertain significance for Combined oxidative phosphorylation defect type 17. Last evaluated: 2020-04-09. Review status: criteria provided, single submitter. Criteria: ACMG Guidelines, 2015. Collection method: clinical testing. Allele origin: germline.

Institute of Human Genetics Munich, TUM University Hospital
Classification: Pathogenic for Combined oxidative phosphorylation defect type 17. Last evaluated: 2017-11-16. Review status: criteria provided, single submitter. Criteria: Classification criteria August 2017. Collection method: clinical testing. Allele origin: maternal. Inheritance: Autosomal recessive inheritance. Affected: yes. Observed: 1 variant allele.

Baylor Genetics
Classification: Uncertain significance for Combined oxidative phosphorylation defect type 17. Last evaluated: 2017-09-01. Review status: criteria provided, single submitter. Criteria: ACMG Guidelines, 2015. Collection method: clinical testing. Allele origin: germline. Inheritance: Autosomal recessive inheritance. Affected: yes.
Comment: This mutation has been previously reported in association with prostate cancer. Heterozygotes would be expected to be asymptomatic carriers.

OMIM
Classification: Pathogenic for PROSTATE CANCER, HEREDITARY, 2. Last evaluated: 2001-02-01. Review status: no assertion criteria provided. Collection method: literature only. Allele origin: germline. Not counted in ClinVar's aggregate classification.

Literature cited by the submitters: PubMed 31045291 (cited by 4 submitters); PubMed 11175785 (cited by 4 submitters); PubMed 15863270 (cited by Mayo Clinic Laboratories, Mayo Clinic and Baylor Genetics); PubMed 12515253 (cited by Dasa); PubMed 25326635 (cited by Baylor Genetics).

NM_018127.7(ELAC2):c.2342G>A (p.Arg781His)

Gene: ELAC2 (elaC ribonuclease Z 2; minus strand). Cytogenetic location: 17p12.
Variant type: single nucleotide variant.
Coding change: c.2342G>A on transcript NM_018127.7 (MANE Select); coding-DNA position 2342, G replaced by A.
Protein change: p.Arg781His; replaces arginine 781 with histidine.
Molecular consequence: missense variant.
Genome position (GRCh38, 1-based): chr17:12,992,957, C>T on the plus strand (G>A on the coding strand, the complement: ELAC2 is on the minus strand). VCF-style: chr17-12992957-C-T. GRCh37 (hg19) VCF-style: chr17-12896274-C-T.
Other names: c.2222G>A, p.Arg741His (NM_001165962.2); c.2339G>A, p.Arg780His (NM_173717.2); short protein forms R781H, R741H, R780H.
Identifiers: ClinVar variation 5058 (VCV000005058.62), dbSNP rs119484086, ClinGen allele CA117235.